The following is an entry in ClinVar:

ClinVar aggregate classification (germline): Likely benign (1 of 4 stars; one submission).

gnomAD v4.1: 2,235 of 1,610,626 alleles (0.14%); highest among the groups gnomAD compares: Middle Eastern, 0.017%; 39 homozygotes.

Submission:

CeGaT Center for Human Genetics Tuebingen
Classification: Likely benign. Last evaluated: 2025-02-01. Review status: criteria provided, single submitter. Criteria: CeGaT Center For Human Genetics Tuebingen Variant Classification Criteria Version 2. Collection method: clinical testing. Allele origin: germline. Affected: yes. Observed: 1 variant allele.
Comment: DOT1L: BP4, BP7

NM_032482.3(DOT1L):c.1446C>T (p.Pro482=)

Gene: DOT1L (DOT1 like histone lysine methyltransferase; plus strand). Cytogenetic location: 19p13.3.
Variant type: single nucleotide variant.
Coding change: c.1446C>T on transcript NM_032482.3 (MANE Select); coding-DNA position 1446, C replaced by T.
Protein change: p.Pro482=; no amino-acid change (proline 482 retained).
Molecular consequence: synonymous variant.
Genome position (GRCh38, 1-based): chr19:2,211,193, C>T. VCF-style: chr19-2211193-C-T. GRCh37 (hg19) VCF-style: chr19-2211192-C-T.
Other names: c.1446C>T, p.Pro482= (NM_001411141.1).
Identifiers: ClinVar variation 3770932 (VCV003770932.13).